The following is an entry in ClinVar:

ClinVar aggregate classification (germline): Pathogenic (1 of 4 stars; one submission).

Conditions:
Carnitine palmitoyltransferase II deficiency. Also called: Carnitine Palmitoyltransferase 2 Deficiency. Identifiers: Orphanet 157, MedGen C0342790, MONDO:0015515.

Submission:

Labcorp Genetics (formerly Invitae), Labcorp
Classification: Pathogenic for Carnitine palmitoyltransferase II deficiency. Last evaluated: 2024-01-24. Review status: criteria provided, single submitter. Criteria: Invitae Variant Classification Sherloc (09022015). Collection method: clinical testing. Allele origin: germline.
Comment: This sequence change creates a premature translational stop signal (p.Gln481*) in the CPT2 gene. It is expected to result in an absent or disrupted protein product. Loss-of-function variants in CPT2 are known to be pathogenic (PMID: 16781677, 16996287). This variant is not present in population databases (gnomAD no frequency). This variant has not been reported in the literature in individuals affected with CPT2-related conditions. For these reasons, this variant has been classified as Pathogenic.

Literature cited by the submitters: PubMed 16781677; PubMed 16996287.

NM_000098.3(CPT2):c.1441C>T (p.Gln481Ter)

Gene: CPT2 (carnitine palmitoyltransferase 2; plus strand). Cytogenetic location: 1p32.3.
Variant type: single nucleotide variant.
Coding change: c.1441C>T on transcript NM_000098.3 (MANE Select); coding-DNA position 1441, C replaced by T.
Protein change: p.Gln481Ter; replaces glutamine 481 with a stop codon.
Molecular consequence: nonsense.
Genome position (GRCh38, 1-based): chr1:53,211,115, C>T. VCF-style: chr1-53211115-C-T. GRCh37 (hg19) VCF-style: chr1-53676787-C-T.
Other names: c.1441C>T, p.Gln481Ter (NM_001330589.2); short protein forms Q481*.
Identifiers: ClinVar variation 2711184 (VCV002711184.3), dbSNP rs749243696, ClinGen allele CA340395876.